The following is an entry in ClinVar:

NM_014043.4(CHMP2B):c.232G>C (p.Val78Leu)

Gene: CHMP2B (charged multivesicular body protein 2B; plus strand). Cytogenetic location: 3p11.2.
Variant type: single nucleotide variant.
Coding change: c.232G>C on transcript NM_014043.4 (MANE Select); coding-DNA position 232, G replaced by C.
Protein change: p.Val78Leu; replaces valine 78 with leucine.
Molecular consequence: missense variant.
Genome position (GRCh38, 1-based): chr3:87,245,819, G>C. VCF-style: chr3-87245819-G-C. GRCh37 (hg19) VCF-style: chr3-87294969-G-C.
Other names: c.109G>C, p.Val37Leu (NM_001244644.2); c.328G>C, p.Val110Leu (NM_001410777.1); short protein forms V37L, V78L, V110L.
Identifiers: ClinVar variation 4784838 (VCV004784838.1).
Genomic context (GRCh38, chr3:87,245,819, plus strand): 5'-TGCAAAGTTTTAGCCAAACAACTTGTGCATCTACGGAAACAGAAGACGAGAACTTTTGCT[G>C]TAAGTTCAAAAGTTACTTCTATGTCTACACAAACAAAAGTGATGAATTCCCAAATGAAGA-3'
Protein context (NP_054762.2, residues 68-88): LRKQKTRTFA[Val78Leu]SSKVTSMSTQ

ClinVar aggregate classification (germline): Uncertain significance (1 of 4 stars; one submission).

Conditions:
Frontotemporal dementia and/or amyotrophic lateral sclerosis 7 (FTDALS7). Also called: CHMP2B-Related Frontotemporal Dementia-Amyotrophic Lateral Sclerosis; AMYOTROPHIC LATERAL SCLEROSIS, CHMP2B-RELATED; Amyotrophic lateral sclerosis 17; CHMP2B-related frontotemporal dementia. Identifiers: Orphanet 275864, Orphanet 282, Orphanet 803, MedGen C1833296, MONDO:0010936, OMIM 600795.

gnomAD v4.1: 2 of 1,613,670 alleles (0.00012%); highest among the groups gnomAD compares: Non-Finnish European, 0.000085%; no homozygotes.

Submission:

Labcorp Genetics (formerly Invitae), Labcorp
Classification: Uncertain significance for Frontotemporal dementia and/or amyotrophic lateral sclerosis 7. Last evaluated: 2025-04-26. Review status: criteria provided, single submitter. Criteria: Invitae Variant Classification Sherloc (09022015). Collection method: clinical testing. Allele origin: germline.
Comment: This sequence change replaces valine, which is neutral and non-polar, with leucine, which is neutral and non-polar, at codon 78 of the CHMP2B protein (p.Val78Leu). This variant is not present in population databases (gnomAD no frequency). This variant has not been reported in the literature in individuals affected with CHMP2B-related conditions. An algorithm developed to predict the effect of missense changes on protein structure and function (PolyPhen-2) suggests that this variant is likely to be disruptive. In summary, the available evidence is currently insufficient to determine the role of this variant in disease. Therefore, it has been classified as a Variant of Uncertain Significance.